The following is an entry in ClinVar:

NM_000179.3(MSH6):c.3154G>T (p.Glu1052Ter)

Gene: MSH6 (mutS homolog 6; plus strand). Cytogenetic location: 2p16.3.
Variant type: single nucleotide variant.
Coding change: c.3154G>T on transcript NM_000179.3 (MANE Select); coding-DNA position 3154, G replaced by T.
Protein change: p.Glu1052Ter; replaces glutamic acid 1052 with a stop codon.
Molecular consequence: nonsense.
Genome position (GRCh38, 1-based): chr2:47,801,137, G>T. VCF-style: chr2-47801137-G-T. GRCh37 (hg19) VCF-style: chr2-48028276-G-T.
Other names: c.2764G>T, p.Glu922Ter (NM_001281492.2); c.2248G>T, p.Glu750Ter (NM_001281493.2, NM_001281494.2); short protein forms E1052*, E922*, E750*.
Identifiers: ClinVar variation 619874 (VCV000619874.8), dbSNP rs765763906, ClinGen allele CA346756716.
Genomic context (GRCh38, chr2:47,801,137, plus strand): 5'-TGCATGCGGCGACTGTTCTATAACTTTGATAAAAATTACAAGGACTGGCAGTCTGCTGTA[G>T]AGTGTATCGCAGTGTTGGGTAAGACTTTGAACAAGCTTGTTCTCAGGCTTTGATAAGTAG-3'

ClinVar aggregate classification (germline): Pathogenic/Likely pathogenic. Review status: criteria provided, multiple submitters, no conflicts (2 of 4 stars). 3 submissions from 3 submitters: Pathogenic (1); Likely pathogenic (2). Last evaluated 2023-06-22.

Conditions:
Hereditary nonpolyposis colorectal neoplasms. Identifiers: MedGen C0009405, MeSH D003123.
Endometrial carcinoma. Also called: Endometrial carcinoma, somatic. Identifiers: MedGen C0476089, MONDO:0002447, OMIM 608089, HP:0012114.

Allele frequency attached by ClinVar (database versions not stated): gnomAD 0.00001.

Submissions (3):

Baylor Genetics
Classification: Likely pathogenic for Endometrial carcinoma. Last evaluated: 2023-06-22. Review status: criteria provided, single submitter. Criteria: ACMG Guidelines, 2015. Collection method: clinical testing. Allele origin: unknown.

Labcorp Genetics (formerly Invitae), Labcorp
Classification: Pathogenic for Hereditary nonpolyposis colorectal neoplasms. Last evaluated: 2022-10-11. Review status: criteria provided, single submitter. Criteria: Invitae Variant Classification Sherloc (09022015). Collection method: clinical testing. Allele origin: germline.
Comment: This variant has not been reported in the literature in individuals affected with MSH6-related conditions. This variant is not present in population databases (gnomAD no frequency). This sequence change creates a premature translational stop signal (p.Glu1052*) in the MSH6 gene. It is expected to result in an absent or disrupted protein product. Loss-of-function variants in MSH6 are known to be pathogenic (PMID: 18269114, 24362816). ClinVar contains an entry for this variant (Variation ID: 619874). For these reasons, this variant has been classified as Pathogenic.

Quest Diagnostics Nichols Institute San Juan Capistrano
Classification: Likely pathogenic. Last evaluated: 2018-01-11. Review status: criteria provided, single submitter. Criteria: Quest Diagnostics criteria. Collection method: clinical testing. Allele origin: germline.

Literature cited by the submitters: PubMed 18269114 (cited by Labcorp Genetics (formerly Invitae), Labcorp); PubMed 24362816 (cited by Labcorp Genetics (formerly Invitae), Labcorp).